The following is an entry in ClinVar:

ClinVar aggregate classification (germline): Likely benign. Review status: criteria provided, single submitter (1 of 4 stars). 2 submissions from 2 submitters: Likely benign (1). 1 of the submissions does not count toward it. Last evaluated 2023-07-17.

Conditions:
KMT2D-related disorder. Also called: KMT2D-Related Disorders.
Kabuki syndrome. Also called: Kabuki make-up syndrome; NIIKAWA-KUROKI SYNDROME. Identifiers: Orphanet 2322, MedGen C0796004, MONDO:0016512.

Submissions (2):

Labcorp Genetics (formerly Invitae), Labcorp
Classification: Likely benign for Kabuki syndrome. Last evaluated: 2023-07-17. Review status: criteria provided, single submitter. Criteria: Invitae Variant Classification Sherloc (09022015). Collection method: clinical testing. Allele origin: germline.

PreventionGenetics, part of Exact Sciences
Classification: Likely benign for KMT2D-related condition. Last evaluated: 2023-08-30. Review status: no assertion criteria provided. Collection method: clinical testing. Allele origin: germline. Not counted in ClinVar's aggregate classification.
Comment: This variant is classified as likely benign based on ACMG/AMP sequence variant interpretation guidelines (Richards et al. 2015 PMID: 25741868, with internal and published modifications).

NM_003482.4(KMT2D):c.6693T>G (p.Pro2231=)

Gene: KMT2D (lysine methyltransferase 2D; minus strand). Cytogenetic location: 12q13.12.
Variant type: single nucleotide variant.
Coding change: c.6693T>G on transcript NM_003482.4 (MANE Select); coding-DNA position 6693, T replaced by G.
Protein change: p.Pro2231=; no amino-acid change (proline 2231 retained).
Molecular consequence: synonymous variant.
Genome position (GRCh38, 1-based): chr12:49,041,077, A>C on the plus strand (T>G on the coding strand, the complement: KMT2D is on the minus strand). VCF-style: chr12-49041077-A-C. GRCh37 (hg19) VCF-style: chr12-49434860-A-C.
Identifiers: ClinVar variation 2014239 (VCV002014239.6), dbSNP rs2120541205, ClinGen allele CA479712158.
Genomic context (GRCh38, chr12:49,041,077, plus strand): 5'-CGAGGGGCAGCGGGGTTTGAGGAATGGGTCAGGTGTGGAGGGCTGGTGTCTGGGGGTGCC[A>C]GGTGGGGTAGTGTGGAATTCCCCTGGCTGGCCAGCCCCAGGACGAGATGAGGCGCCCAGC-3'
Protein context (NP_003473.3, residues 2221-2241): GQPGEFHTTP[Pro2231=]GTPRHQPSTP